The following is an entry in ClinVar:

ClinVar aggregate classification (germline): Uncertain significance. Review status: criteria provided, multiple submitters, no conflicts (2 of 4 stars). 2 submissions from 2 submitters: Uncertain significance (2). Last evaluated 2025-04-13.

Conditions:
Hereditary cancer-predisposing syndrome. Also called: Neoplastic Syndromes, Hereditary; Hereditary Cancer Syndrome; Tumor predisposition; Hereditary neoplastic syndrome. Identifiers: Orphanet 140162, MedGen C0027672, MeSH D009386, MONDO:0015356.
Oligodontia-cancer predisposition syndrome. Also called: TOOTH AGENESIS-COLORECTAL CANCER SYNDROME. Identifiers: Orphanet 300576, MedGen C1837750, MONDO:0012075, OMIM 608615. Disease mechanism: loss of function.

Allele frequency attached by ClinVar (database versions not stated): gnomAD exomes below 0.00001.
gnomAD v4.1: 1 of 1,592,346 alleles (0.000063%); highest among the groups gnomAD compares: East Asian, 0.0023%; no homozygotes.

Submissions (2):

Ambry Genetics
Classification: Uncertain significance for Hereditary cancer-predisposing syndrome. Last evaluated: 2025-04-13. Review status: criteria provided, single submitter. Criteria: Ambry Variant Classification Scheme 2023. Collection method: clinical testing. Allele origin: germline.
Comment: The p.H473R variant (also known as c.1418A>G), located in coding exon 5 of the AXIN2 gene, results from an A to G substitution at nucleotide position 1418. The histidine at codon 473 is replaced by arginine, an amino acid with highly similar properties. This amino acid position is conserved. In addition, this alteration is predicted to be tolerated by in silico analysis. Based on the available evidence, the clinical significance of this variant remains unclear.

Labcorp Genetics (formerly Invitae), Labcorp
Classification: Uncertain significance for Oligodontia-cancer predisposition syndrome. Last evaluated: 2025-04-13. Review status: criteria provided, single submitter. Criteria: Invitae Variant Classification Sherloc (09022015). Collection method: clinical testing. Allele origin: germline.
Comment: This sequence change replaces histidine, which is basic and polar, with arginine, which is basic and polar, at codon 473 of the AXIN2 protein (p.His473Arg). This variant is not present in population databases (gnomAD no frequency). This variant has not been reported in the literature in individuals affected with AXIN2-related conditions. ClinVar contains an entry for this variant (Variation ID: 1374713). An algorithm developed to predict the effect of missense changes on protein structure and function (PolyPhen-2) suggests that this variant is likely to be tolerated. In summary, the available evidence is currently insufficient to determine the role of this variant in disease. Therefore, it has been classified as a Variant of Uncertain Significance.

NM_004655.4(AXIN2):c.1418A>G (p.His473Arg)

Gene: AXIN2 (axin 2; minus strand). Cytogenetic location: 17q24.1.
Variant type: single nucleotide variant.
Coding change: c.1418A>G on transcript NM_004655.4 (MANE Select); coding-DNA position 1418, A replaced by G.
Protein change: p.His473Arg; replaces histidine 473 with arginine.
Molecular consequence: missense variant.
Genome position (GRCh38, 1-based): chr17:65,537,618, T>C on the plus strand (A>G on the coding strand, the complement: AXIN2 is on the minus strand). VCF-style: chr17-65537618-T-C. GRCh37 (hg19) VCF-style: chr17-63533736-T-C.
Other names: c.1418A>G, p.His473Arg (NM_001363813.1); c.1418A>G (NM_004655.3); short protein forms H473R.
Identifiers: ClinVar variation 1374713 (VCV001374713.7), dbSNP rs2043954978, ClinGen allele CA400677541.
Genomic context (GRCh38, chr17:65,537,618, plus strand): 5'-GAGGCGGCCGCGGGAGGCAGCTTGCCACCGGGCGGGAGCAGGGAGTGGTACTGCGAATGG[T>C]GGTGGTGGTGGTGGTCCGGGGAGCGGGAGCGGGGGCTATAGCGGCCTACGCCTGGAGACT-3'
Protein context (NP_004646.3, residues 463-483): RSRSPDHHHH[His473Arg]HSQYHSLLPP